The following is an entry in ClinVar:

NM_000925.4(PDHB):c.922A>G (p.Arg308Gly)

Gene: PDHB (pyruvate dehydrogenase E1 subunit beta; minus strand). Cytogenetic location: 3p14.3.
Variant type: single nucleotide variant.
Coding change: c.922A>G on transcript NM_000925.4 (MANE Select); coding-DNA position 922, A replaced by G.
Protein change: p.Arg308Gly; replaces arginine 308 with glycine.
Molecular consequence: missense variant. On other transcripts: non-coding transcript variant (1).
Genome position (GRCh38, 1-based): chr3:58,428,485, T>C on the plus strand (A>G on the coding strand, the complement: PDHB is on the minus strand). VCF-style: chr3-58428485-T-C. GRCh37 (hg19) VCF-style: chr3-58414212-T-C.
Other names: c.868A>G, p.Arg290Gly (NM_001173468.2, NM_001315536.2); short protein forms R290G, R308G.
Identifiers: ClinVar variation 1476432 (VCV001476432.5), dbSNP rs1237258897, ClinGen allele CA353358409.

ClinVar aggregate classification (germline): Uncertain significance (1 of 4 stars; one submission).

Conditions:
Pyruvate dehydrogenase E1-beta deficiency (PDHBD). Identifiers: Orphanet 255138, Orphanet 765, MedGen C3279841, MONDO:0013580, OMIM 614111.

Allele frequency attached by ClinVar (database versions not stated): gnomAD 0.00001; TOPMed 0.00001.
gnomAD v4.1: 4 of 1,614,072 alleles (0.00025%); highest among the groups gnomAD compares: Non-Finnish European, 0.00034%; no homozygotes.

Submission:

Labcorp Genetics (formerly Invitae), Labcorp
Classification: Uncertain significance for Pyruvate dehydrogenase E1-beta deficiency. Last evaluated: 2022-02-05. Review status: criteria provided, single submitter. Criteria: Invitae Variant Classification Sherloc (09022015). Collection method: clinical testing. Allele origin: germline.
Comment: This sequence change replaces arginine, which is basic and polar, with glycine, which is neutral and non-polar, at codon 308 of the PDHB protein (p.Arg308Gly). This variant is not present in population databases (gnomAD no frequency). This variant has not been reported in the literature in individuals affected with PDHB-related conditions. Algorithms developed to predict the effect of missense changes on protein structure and function are either unavailable or do not agree on the potential impact of this missense change (SIFT: "Deleterious"; PolyPhen-2: "Benign"; Align-GVGD: "Class C15"). In summary, the available evidence is currently insufficient to determine the role of this variant in disease. Therefore, it has been classified as a Variant of Uncertain Significance.